The following is an entry in ClinVar:

ClinVar aggregate classification (germline): Uncertain significance (1 of 4 stars; one submission).

Conditions:
Inborn genetic diseases. Identifiers: MedGen C0950123, MeSH D030342.

Submission:

Ambry Genetics
Classification: Uncertain significance for Inborn genetic diseases. Last evaluated: 2024-07-18. Review status: criteria provided, single submitter. Criteria: Ambry Variant Classification Scheme 2023. Collection method: clinical testing. Allele origin: germline.
Comment: The p.A1492S variant (also known as c.4474G>T), located in coding exon 25 of the ATR gene, results from a G to T substitution at nucleotide position 4474. The alanine at codon 1492 is replaced by serine, an amino acid with similar properties. This amino acid position is conserved. In addition, this alteration is predicted to be tolerated by in silico analysis. Since supporting evidence is limited at this time, the clinical significance of this alteration remains unclear.

NM_001184.4(ATR):c.4474G>T (p.Ala1492Ser)

Gene: ATR (ATR checkpoint kinase; minus strand). Cytogenetic location: 3q23.
Variant type: single nucleotide variant.
Coding change: c.4474G>T on transcript NM_001184.4 (MANE Select); coding-DNA position 4474, G replaced by T.
Protein change: p.Ala1492Ser; replaces alanine 1492 with serine.
Molecular consequence: missense variant.
Genome position (GRCh38, 1-based): chr3:142,515,424, C>A on the plus strand (G>T on the coding strand, the complement: ATR is on the minus strand). VCF-style: chr3-142515424-C-A. GRCh37 (hg19) VCF-style: chr3-142234266-C-A.
Other names: c.4282G>T, p.Ala1428Ser (NM_001354579.2); short protein forms A1492S, A1428S.
Identifiers: ClinVar variation 1740849 (VCV001740849.3), dbSNP rs2108379964, ClinGen allele CA354797860.